The following is an entry in ClinVar:

NM_005902.4(SMAD3):c.870C>T (p.Ile290=)

Gene: SMAD3 (SMAD family member 3; plus strand). Cytogenetic location: 15q22.33.
Variant type: single nucleotide variant.
Coding change: c.870C>T on transcript NM_005902.4 (MANE Select); coding-DNA position 870, C replaced by T.
Protein change: p.Ile290=; no amino-acid change (isoleucine 290 retained).
Molecular consequence: synonymous variant.
Genome position (GRCh38, 1-based): chr15:67,181,452, C>T. VCF-style: chr15-67181452-C-T. GRCh37 (hg19) VCF-style: chr15-67473790-C-T.
Other names: p.I290I:ATC>ATT; p.Ile290=; c.555C>T, p.Ile185= (NM_001145102.2); c.738C>T, p.Ile246= (NM_001145103.2); c.285C>T, p.Ile95= (NM_001145104.2).
Identifiers: ClinVar variation 139213 (VCV000139213.48), dbSNP rs117185005, ClinGen allele CA020145.

ClinVar aggregate classification (germline): Benign/Likely benign. Review status: criteria provided, multiple submitters, no conflicts (2 of 4 stars). 18 submissions from 18 submitters: Benign (13); Likely benign (1). 4 of the submissions do not count toward it. Last evaluated 2026-02-04.

Conditions:
Ehlers-Danlos syndrome (EDS). Identifiers: Orphanet 98249, MedGen C0013720, MONDO:0020066.
Aneurysm-osteoarthritis syndrome. Also called: LOEYS-DIETZ SYNDROME WITH OSTEOARTHRITIS; SMAD3-Related Loeys-Dietz Syndrome; Loeys-Dietz syndrome, type 1C; ANEURYSMS-OSTEOARTHRITIS SYNDROME. Identifiers: Orphanet 284984, MedGen C3151087, MONDO:0013426, OMIM 613795.
Familial thoracic aortic aneurysm and aortic dissection (TAAD). Also called: Thoracic aortic aneurysms and dissections. Identifiers: Orphanet 91387, MedGen C4707243, MONDO:0019625.

Allele frequency attached by ClinVar (database versions not stated): 1000 Genomes Project 30x 0.00781; 1000 Genomes Project 0.00839; TOPMed 0.01255; gnomAD 0.01414 and 0.01464; ESP Exome Variant Server 0.01515; gnomAD exomes 0.01550 and 0.02133; ExAC 0.01646.
gnomAD v4.1: 33,031 of 1,611,190 alleles (2.1%); highest among the groups gnomAD compares: Non-Finnish European, 2.4%; 410 homozygotes.

Submissions (18):

Labcorp Genetics (formerly Invitae), Labcorp
Classification: Benign for Familial thoracic aortic aneurysm and aortic dissection. Last evaluated: 2026-02-04. Review status: criteria provided, single submitter. Criteria: Invitae Variant Classification Sherloc (09022015). Collection method: clinical testing. Allele origin: germline.

ARUP Laboratories, Molecular Genetics and Genomics, ARUP Laboratories
Classification: Benign for Aneurysm-osteoarthritis syndrome. Last evaluated: 2025-07-22. Review status: criteria provided, single submitter. Criteria: ARUP Molecular Germline Variant Investigation Process 2024. Collection method: clinical testing. Allele origin: germline.

Molecular Diagnostic Laboratory for Inherited Cardiovascular Disease, Montreal Heart Institute
Classification: Benign. Last evaluated: 2025-04-09. Review status: criteria provided, single submitter. Criteria: ACMG Guidelines, 2015. Collection method: clinical testing. Allele origin: germline. Affected: no.

Blueprint Genetics
Classification: Benign. Last evaluated: 2024-11-27. Review status: criteria provided, single submitter. Criteria: ACMG Guidelines, 2015. Collection method: clinical testing. Allele origin: germline.

All of Us Research Program, National Institutes of Health
Classification: Benign for Aneurysm-osteoarthritis syndrome. Last evaluated: 2024-02-05. Review status: criteria provided, single submitter. Criteria: ACMG Guidelines, 2015. Collection method: clinical testing. Allele origin: germline. Inheritance: Autosomal dominant inheritance. Observed: 3,787 variant alleles, 3,745 heterozygotes, 42 homozygotes.
Comment: This study involves interpretation of variants in research participants for the purpose of population health screening. Participant phenotype was not available at the time of variant classification. Additional details can be found in publication PMID: 35346344, PMCID: PMC8962531

CHEO Genetics Diagnostic Laboratory, Children's Hospital of Eastern Ontario
Classification: Benign for Familial thoracic aortic aneurysm and aortic dissection. Last evaluated: 2022-11-04. Review status: criteria provided, single submitter. Criteria: ACMG Guidelines, 2015. Collection method: clinical testing. Allele origin: germline.

Genome Diagnostics Laboratory, The Hospital for Sick Children
Classification: Benign for Ehlers-Danlos syndrome. Last evaluated: 2022-06-30. Review status: criteria provided, single submitter. Criteria: ACMG Guidelines, 2015. Collection method: clinical testing. Allele origin: germline.

Women's Health and Genetics/Laboratory Corporation of America, LabCorp
Classification: Benign. Last evaluated: 2019-10-22. Review status: criteria provided, single submitter. Criteria: LabCorp Variant Classification Summary - May 2015. Collection method: clinical testing. Allele origin: germline.
Comment: Variant summary: SMAD3 c.870C>T (p.Ile290Ile) alters a nucleotide located close to a canonical splice site and therefore could affect mRNA splicing, leading to a significantly altered protein sequence. 5/5 computational tools predict no significant impact on normal splicing. However, these predictions have yet to be confirmed by functional studies. The variant allele was found at a frequency of 0.016 in 246116 control chromosomes, predominantly at a frequency of 0.024 within the Non-Finnish European subpopulation in the gnomAD database, including 29 homozygotes. The observed variant frequency within Non-Finnish European control individuals in the gnomAD database is approximately 640 fold of the estimated maximal expected allele frequency for a pathogenic variant in SMAD3 causing Aortopathy phenotype (3.8e-05), strongly suggesting that the variant is a benign polymorphism found primarily in populations of Non-Finnish European origin. To our knowledge, no occurrence of c.870C>T in individuals affected with Aortopathy and no experimental evidence demonstrating its impact on protein function have been reported. Five ClinVar submissions (evaluation after 2014) cite the variant four times as benign and once as likely benign. Based on the evidence outlined above, the variant was classified as benign.

Color Diagnostics, LLC DBA Color Health
Classification: Benign for Familial thoracic aortic aneurysm and aortic dissection. Last evaluated: 2018-03-09. Review status: criteria provided, single submitter. Criteria: ACMG Guidelines, 2015. Collection method: clinical testing. Allele origin: germline.

Mayo Clinic Laboratories, Mayo Clinic
Classification: Benign. Last evaluated: 2015-04-06. Review status: criteria provided, single submitter. Criteria: ACMG Guidelines, 2015. Collection method: clinical testing. Allele origin: germline. Observed: 50 variant alleles.

Ambry Genetics
Classification: Benign for Familial thoracic aortic aneurysm and aortic dissection. Last evaluated: 2015-03-06. Review status: criteria provided, single submitter. Criteria: Ambry Variant Classification Scheme 2023. Collection method: clinical testing. Allele origin: germline.

GeneDx
Classification: Benign. Last evaluated: 2012-11-02. Review status: criteria provided, single submitter. Criteria: GeneDx Variant Classification (06012015). Collection method: clinical testing. Allele origin: germline. Affected: yes.
Comment: This variant is considered likely benign or benign based on one or more of the following criteria: it is a conservative change, it occurs at a poorly conserved position in the protein, it is predicted to be benign by multiple in silico algorithms, and/or has population frequency not consistent with disease.

Breakthrough Genomics
Classification: Likely benign. Review status: criteria provided, single submitter. Criteria: ACMG Guidelines, 2015. Collection method: not provided. Allele origin: germline. Inheritance: Autosomal dominant inheritance. Affected: yes.

PreventionGenetics, part of Exact Sciences
Classification: Benign. Review status: criteria provided, single submitter. Criteria: ACMG Guidelines, 2015. Collection method: clinical testing. Allele origin: germline.

Clinical Genetics DNA and cytogenetics Diagnostics Lab, Erasmus MC, Erasmus Medical Center
Classification: Benign. Review status: no assertion criteria provided. Collection method: clinical testing. Allele origin: germline. Affected: yes. Study: VKGL Data-share Consensus. Not counted in ClinVar's aggregate classification.

Genome Diagnostics Laboratory, Amsterdam University Medical Center
Classification: Benign. Review status: no assertion criteria provided. Collection method: clinical testing. Allele origin: germline. Affected: yes. Study: VKGL Data-share Consensus. Not counted in ClinVar's aggregate classification.

Genome Diagnostics Laboratory, University Medical Center Utrecht
Classification: Benign. Review status: no assertion criteria provided. Collection method: clinical testing. Allele origin: germline. Affected: yes. Study: VKGL Data-share Consensus. Not counted in ClinVar's aggregate classification.

Laboratory of Diagnostic Genome Analysis, Leiden University Medical Center (LUMC)
Classification: Likely benign. Review status: no assertion criteria provided. Collection method: clinical testing. Allele origin: germline. Affected: yes. Study: VKGL Data-share Consensus. Not counted in ClinVar's aggregate classification.